The following is an entry in ClinVar:

ClinVar aggregate classification (germline): Conflicting classifications of pathogenicity. Review status: criteria provided, conflicting classifications (1 of 4 stars). 13 submissions from 13 submitters: Uncertain significance (9); Likely benign (2). 2 of the submissions do not count toward it. Last evaluated 2026-06-16.

Conditions:
BRCA2-related cancer predisposition. Identifiers: MedGen CN377758, MONDO:0700269.
BRCA2-related disorder. Also called: BRCA2-related condition; BRCA2-related disorders. Identifiers: MedGen CN239275.
Hereditary cancer-predisposing syndrome. Also called: Hereditary Cancer Syndrome; Neoplastic Syndromes, Hereditary; Hereditary neoplastic syndrome; Tumor predisposition. Identifiers: Orphanet 140162, MedGen C0027672, MeSH D009386, MONDO:0015356.
Breast neoplasm. Also called: Neoplasm of breast; Breast tumor; Breast Neoplasms; Neoplasm of the breast. Identifiers: MedGen C1458155, MeSH D001943, MONDO:0021100, HP:0100013. Disease mechanism: gain of function.
Hereditary breast ovarian cancer syndrome. Also called: Hereditary breast and ovarian cancer syndrome; Breast and ovarian cancer; BRCA1- and BRCA2-Associated Hereditary Breast and Ovarian Cancer; Hereditary breast and/or ovarian cancer syndrome; Hereditary breast and ovarian cancer; Hereditary breast and ovarian cancer syndrome (HBOC). Identifiers: Orphanet 145, MedGen C0677776, MeSH D061325, MONDO:0003582. Disease mechanism: loss of function.
Breast-ovarian cancer, familial, susceptibility to, 2 (BROVCA2). Also called: BRCA2 Hereditary Breast and Ovarian Cancer. Identifiers: Orphanet 145, MedGen C2675520, MONDO:0012933, OMIM 612555. Disease mechanism: loss of function.

Allele frequency attached by ClinVar (database versions not stated): gnomAD exomes 0.00001; TOPMed 0.00001.
gnomAD v4.1: 3 of 1,600,986 alleles (0.00019%); highest among the groups gnomAD compares: Admixed American, 0.0035%; no homozygotes.

Submissions (13):

PreventionGenetics, part of Exact Sciences
Classification: Uncertain significance for BRCA2-related condition. Last evaluated: 2026-06-16. Review status: criteria provided, single submitter. Criteria: ACMG Guidelines, 2015. Collection method: clinical testing. Allele origin: germline.
Comment: The BRCA2 c.1483G>A variant is predicted to result in the amino acid substitution p.Ala495Thr. This variant was reported in individuals with breast cancer (Giannini et al. 2006. PubMed ID: 16847550; de Oliveira et al. 2022. PubMed ID: 35534704; Gifoni et al. 2022. PubMed ID: 35957908; Silva et al. 2014. PubMed ID: 24884479). This variant has not been reported in a large population database (gnomAD), indicating it is rare, and has conflicting interpretations in ClinVar ranging from likely benign to uncertain (Variation ID: 51131). Although we suspect that this variant may be benign, at this time, the clinical significance of this variant is uncertain due to the absence of conclusive functional and genetic evidence.

Women's Health and Genetics/Laboratory Corporation of America, LabCorp
Classification: Uncertain significance. Last evaluated: 2025-11-21. Review status: criteria provided, single submitter. Criteria: LabCorp Variant Classification Summary - May 2015. Collection method: clinical testing. Allele origin: germline.
Comment: Variant summary: BRCA2 c.1483G>A (p.Ala495Thr) results in a non-conservative amino acid change in the encoded protein sequence. Algorithms developed to predict the effect of missense changes on protein structure and function are either unavailable or do not agree on the potential impact of this missense change. The variant was absent in 235180 control chromosomes. The available data on variant occurrences in the general population are insufficient to allow any conclusion about variant significance. c.1483G>A has been observed in individuals affected with breast cancer and/or considered high risk for Hereditary Breast And Ovarian Cancer Syndrome, without strong evidence for causality (e.g. Giannini_2006, Silva_2014, Gifoni_2022, de Oliveira_2022, Fortuno_2024). These reports do not provide unequivocal conclusions about association of the variant with Hereditary Breast And Ovarian Cancer Syndrome. To our knowledge, no experimental evidence demonstrating an impact on protein function has been reported. The following publications have been ascertained in the context of this evaluation (PMID: 39402389, 16847550, 35957908, 24884479, 35534704). ClinVar contains an entry for this variant (Variation ID: 51131). Based on the evidence outlined above, the variant was classified as uncertain significance.

Labcorp Genetics (formerly Invitae), Labcorp
Classification: Uncertain significance for Hereditary breast ovarian cancer syndrome. Last evaluated: 2025-10-14. Review status: criteria provided, single submitter. Criteria: Invitae Variant Classification Sherloc (09022015). Collection method: clinical testing. Allele origin: germline.
Comment: This sequence change replaces alanine, which is neutral and non-polar, with threonine, which is neutral and polar, at codon 495 of the BRCA2 protein (p.Ala495Thr). This variant is not present in population databases (gnomAD no frequency). This missense change has been observed in individual(s) with breast cancer (PMID: 16760289, 16847550, 24884479, 35534704, 35957908). ClinVar contains an entry for this variant (Variation ID: 51131). Invitae Evidence Modeling of protein sequence and biophysical properties (such as structural, functional, and spatial information, amino acid conservation, physicochemical variation, residue mobility, and thermodynamic stability) indicates that this missense variant is not expected to disrupt BRCA2 protein function with a negative predictive value of 95%. In summary, the available evidence is currently insufficient to determine the role of this variant in disease. Therefore, it has been classified as a Variant of Uncertain Significance.

Ambry Genetics
Classification: Likely benign for Hereditary cancer-predisposing syndrome. Last evaluated: 2025-05-03. Review status: criteria provided, single submitter. Criteria: Ambry Variant Classification Scheme 2023. Collection method: clinical testing. Allele origin: germline.

All of Us Research Program, National Institutes of Health
Classification: Uncertain significance for BRCA2-related cancer predisposition. Last evaluated: 2024-07-10. Review status: criteria provided, single submitter. Criteria: ACMG Guidelines, 2015. Collection method: clinical testing. Allele origin: germline. Inheritance: Autosomal dominant inheritance. Observed: 5 variant alleles, 5 heterozygotes.
Comment: This missense variant replaces alanine with threonine at codon 495 of the BRCA2 protein. Computational prediction suggests that this variant may not impact protein structure and function (internally defined REVEL score threshold <= 0.5, PMID: 27666373). To our knowledge, functional studies have not been reported for this variant. This variant has been reported in individuals affected with breast cancer (PMID: 16847550, 24884479). This variant has not been identified in the general population by the Genome Aggregation Database (gnomAD). The available evidence is insufficient to determine the role of this variant in disease conclusively. Therefore, this variant is classified as a Variant of Uncertain Significance.

This study involves interpretation of variants in research participants for the purpose of population health screening. Participant phenotype was not available at the time of variant classification. Additional details can be found in publication PMID: 35346344, PMCID: PMC8962531

GeneDx
Classification: Uncertain significance. Last evaluated: 2024-05-03. Review status: criteria provided, single submitter. Criteria: GeneDx Variant Classification Process June 2021. Collection method: clinical testing. Allele origin: germline. Affected: yes.
Comment: Not observed at significant frequency in large population cohorts (gnomAD); In silico analysis indicates that this missense variant does not alter protein structure/function; Also known as 1711G>A; This variant is associated with the following publications: (PMID: 16760289, 16847550, 23469205, 24884479, 35957908, 35534704, 29884841, 31853058)

Color Diagnostics, LLC DBA Color Health
Classification: Uncertain significance for Hereditary cancer-predisposing syndrome. Last evaluated: 2024-02-20. Review status: criteria provided, single submitter. Criteria: ACMG Guidelines, 2015. Collection method: clinical testing. Allele origin: germline.
Comment: This missense variant replaces alanine with threonine at codon 495 of the BRCA2 protein. Computational prediction suggests that this variant may not impact protein structure and function. To our knowledge, functional studies have not been reported for this variant. This variant has been reported in individuals affected with breast cancer (PMID: 16847550, 24884479). This variant has not been identified in the general population by the Genome Aggregation Database (gnomAD). The available evidence is insufficient to determine the role of this variant in disease conclusively. Therefore, this variant is classified as a Variant of Uncertain Significance.

University of Washington Department of Laboratory Medicine, University of Washington
Classification: Likely benign for Hereditary cancer-predisposing syndrome. Last evaluated: 2023-03-23. Review status: criteria provided, single submitter. Criteria: Dines et al. (Genet Med. 2020). Collection method: curation. Allele origin: germline.
Comment: Missense variant in a coldspot region where missense variants are very unlikely to be pathogenic (PMID:31911673).

BRCA2 exon 10 coldspot. Reclassification based on statistical prior probability.

Quest Diagnostics Nichols Institute San Juan Capistrano
Classification: Uncertain significance. Last evaluated: 2019-09-13. Review status: criteria provided, single submitter. Criteria: Quest Diagnostics criteria. Collection method: clinical testing. Allele origin: unknown.

Mendelics
Classification: Uncertain significance for Breast-ovarian cancer, familial, susceptibility to, 2. Last evaluated: 2019-05-28. Review status: criteria provided, single submitter. Criteria: Mendelics Assertion Criteria 2017. Collection method: clinical testing. Allele origin: unknown.

Clinical and Functional Genomics Group, A.C.Camargo Cancer Center
Classification: Uncertain significance for Breast Cancer. Review status: criteria provided, single submitter. Criteria: Silva et al. (BMC Med Genet. 2014). Collection method: research. Allele origin: germline. Affected: yes.

Clinical Genetics DNA and cytogenetics Diagnostics Lab, Erasmus MC, Erasmus Medical Center
Classification: Likely benign. Review status: no assertion criteria provided. Collection method: clinical testing. Allele origin: germline. Affected: yes. Study: VKGL Data-share Consensus. Not counted in ClinVar's aggregate classification.

Joint Genome Diagnostic Labs from Nijmegen and Maastricht, Radboudumc and MUMC+
Classification: Likely benign. Review status: no assertion criteria provided. Collection method: clinical testing. Allele origin: germline. Affected: yes. Study: VKGL Data-share Consensus. Not counted in ClinVar's aggregate classification.

Literature cited by the submitters: PubMed 16847550 (cited by 6 submitters); PubMed 24884479 (cited by 6 submitters); PubMed 35534704 (cited by Women's Health and Genetics/Laboratory Corporation of America, LabCorp and Labcorp Genetics (formerly Invitae), Labcorp); PubMed 35957908 (cited by Women's Health and Genetics/Laboratory Corporation of America, LabCorp and Labcorp Genetics (formerly Invitae), Labcorp); PubMed 39402389 (cited by Women's Health and Genetics/Laboratory Corporation of America, LabCorp); PubMed 16760289 (cited by 3 submitters); PubMed 23469205 (cited by Clinical and Functional Genomics Group, A.C.Camargo Cancer Center).

NM_000059.4(BRCA2):c.1483G>A (p.Ala495Thr)

Gene: BRCA2 (BRCA2 DNA repair associated; plus strand). Cytogenetic location: 13q13.1.
Variant type: single nucleotide variant.
Coding change: c.1483G>A on transcript NM_000059.4 (MANE Select); coding-DNA position 1483, G replaced by A.
Protein change: p.Ala495Thr; replaces alanine 495 with threonine.
Molecular consequence: missense variant.
Genome position (GRCh38, 1-based): chr13:32,332,961, G>A. VCF-style: chr13-32332961-G-A. GRCh37 (hg19) VCF-style: chr13-32907098-G-A.
Other names: short protein forms A495T.
Identifiers: ClinVar variation 51131 (VCV000051131.31), dbSNP rs80358437, ClinGen allele CA012191.